The following is an entry in ClinVar:

NM_000143.4(FH):c.808del (p.Tyr270fs)

Gene: FH (fumarate hydratase; minus strand). Cytogenetic location: 1q43.
Variant type: Deletion.
Coding change: c.808del on transcript NM_000143.4 (MANE Select); coding-DNA position 808, one base deleted (T; older notation c.808delT).
Protein change: p.Tyr270fs; shifts the reading frame from tyrosine 270.
Molecular consequence: frameshift variant.
Genome position (GRCh38, 1-based): chr1:241,506,099, A deleted on the plus strand (T on the coding strand, the reverse complement: FH is on the minus strand). VCF-style (leftmost placement, unchanged base first): chr1-241506098-TA-T. GRCh37 (hg19) VCF-style: chr1-241669398-TA-T.
Other names: c.808delT (NM_000143.3); short protein forms Y270fs.
Identifiers: ClinVar variation 393572 (VCV000393572.1), dbSNP rs1060499637, ClinGen allele CA16609368.

ClinVar aggregate classification (germline): Pathogenic (1 of 4 stars; one submission).

Conditions:
Hereditary leiomyomatosis and renal cell cancer. Also called: LEIOMYOMA, MULTIPLE CUTANEOUS; MULTIPLE CUTANEOUS AND UTERINE LEIOMYOMATA 1, WITH OR WITHOUT RENAL CELL CARCINOMA; Reed syndrome; Multiple cutaneous and uterine leiomyomatosis; Cutaneous leiomyomata with uterine leiomyomata; Leiomyoma, hereditary multiple, of skin. Identifiers: Orphanet 523, MedGen C1708350, MONDO:0007888, OMIM 150800, HP:0007437. Disease mechanism: loss of function.

Submission:

Genomic Diagnostic Laboratory, Division of Genomic Diagnostics, Children's Hospital of Philadelphia
Classification: Pathogenic for Hereditary leiomyomatosis and renal cell cancer. Last evaluated: 2017-01-17. Review status: criteria provided, single submitter. Criteria: DGD Variant Analysis Guidelines. Collection method: clinical testing. Allele origin: germline. Affected: yes. Observed: 1 variant allele.
Comment: Clinical Testing